The following is an entry in ClinVar:

ClinVar aggregate classification (germline): Benign/Likely benign. Review status: criteria provided, multiple submitters, no conflicts (2 of 4 stars). 14 submissions from 14 submitters: Benign (4); Likely benign (7). 3 of the submissions do not count toward it. Last evaluated 2026-01-28.

Conditions:
Usher syndrome type 1 (USH1). Also called: RETINITIS PIGMENTOSA AND CONGENITAL DEAFNESS. Identifiers: Orphanet 231169, Orphanet 886, MedGen C1568247, MONDO:0010168, OMIM 276900.
Usher syndrome type 1F (USH1F). Also called: USHER SYNDROME, TYPE IF. Identifiers: Orphanet 231169, Orphanet 886, MedGen C1865885, MONDO:0011186, OMIM 602083.

Allele frequency attached by ClinVar (database versions not stated): gnomAD exomes 0.00030 and 0.00070; ExAC 0.00090; ESP Exome Variant Server 0.00284; gnomAD 0.00315 and 0.00325; TOPMed 0.00356; 1000 Genomes Project 0.00399; 1000 Genomes Project 30x 0.00406.
gnomAD v4.1: 969 of 1,613,974 alleles (0.06%); highest among the groups gnomAD compares: African/African-American, 1.1%; 4 homozygotes.

Submissions (14):

Labcorp Genetics (formerly Invitae), Labcorp
Classification: Benign. Last evaluated: 2026-01-28. Review status: criteria provided, single submitter. Criteria: Invitae Variant Classification Sherloc (09022015). Collection method: clinical testing. Allele origin: germline.

Blueprint Genetics
Classification: Likely benign. Last evaluated: 2024-11-26. Review status: criteria provided, single submitter. Criteria: ACMG Guidelines, 2015. Collection method: clinical testing. Allele origin: germline.

CeGaT Center for Human Genetics Tuebingen
Classification: Likely benign. Last evaluated: 2024-05-01. Review status: criteria provided, single submitter. Criteria: CeGaT Center For Human Genetics Tuebingen Variant Classification Criteria Version 2. Collection method: clinical testing. Allele origin: germline. Affected: yes. Observed: 1 variant allele.
Comment: PCDH15: BS1

ARUP Laboratories, Molecular Genetics and Genomics, ARUP Laboratories
Classification: Benign. Last evaluated: 2023-10-14. Review status: criteria provided, single submitter. Criteria: ARUP Molecular Germline Variant Investigation Process 2024. Collection method: clinical testing. Allele origin: germline.

Women's Health and Genetics/Laboratory Corporation of America, LabCorp
Classification: Benign. Last evaluated: 2022-07-12. Review status: criteria provided, single submitter. Criteria: LabCorp Variant Classification Summary - May 2015. Collection method: clinical testing. Allele origin: germline.
Comment: Variant summary: PCDH15 c.2435T>C (p.Ile812Thr) results in a non-conservative amino acid change located in the Cadherin-like domain (IPR002126) of the encoded protein sequence. Four of five in-silico tools predict a damaging effect of the variant on protein function. The variant allele was found at a frequency of 0.0031 in 152112 control chromosomes, predominantly at a frequency of 0.011 within the African or African-American subpopulation in the gnomAD v3 database (genomes data), including 2 homozygotes. The observed variant frequency within African or African-American control individuals in the gnomAD database is approximately 3.5 fold of the estimated maximal expected allele frequency for a pathogenic variant in PCDH15 causing Usher Syndrome Type 1F phenotype (0.0032), strongly suggesting that the variant is a benign polymorphism found primarily in populations of African or African-American origin. To our knowledge, no experimental evidence demonstrating its impact on protein function have been reported. Six ClinVar submitters (evaluation after 2014) cite the variant as likely benign (n=4) and benign (n=2). Based on the evidence outlined above, the variant was classified as benign.

GeneDx
Classification: Likely benign. Last evaluated: 2021-04-17. Review status: criteria provided, single submitter. Criteria: GeneDx Variant Classification Process June 2021. Collection method: clinical testing. Allele origin: germline. Affected: yes.
Comment: This variant is associated with the following publications: (PMID: 27766948)

Illumina Laboratory Services, Illumina
Classification: Likely benign for Usher syndrome type 1. Last evaluated: 2018-01-12. Review status: criteria provided, single submitter. Criteria: ICSL Variant Classification Criteria 13 December 2019. Collection method: clinical testing. Allele origin: germline.
Comment: This variant was observed in the ICSL laboratory as part of a predisposition screen in an ostensibly healthy population. It had not been previously curated by ICSL or reported in the Human Gene Mutation Database (HGMD: prior to June 1st, 2018), and was therefore a candidate for classification through an automated scoring system. Utilizing variant allele frequency, disease prevalence and penetrance estimates, and inheritance mode, an automated score was calculated to assess if this variant is too frequent to cause the disease. Based on the score and internal cut-off values, a variant classified as likely benign is not then subjected to further curation. The score for this variant resulted in a classification of likely benign for this disease.

Center for Pediatric Genomic Medicine, Children's Mercy Hospital and Clinics
Classification: Likely benign. Last evaluated: 2017-04-11. Review status: criteria provided, single submitter. Criteria: ACMG Guidelines, 2015. Collection method: clinical testing. Allele origin: germline.

Eurofins Ntd Llc (ga)
Classification: Benign. Last evaluated: 2014-12-19. Review status: criteria provided, single submitter. Criteria: EGL Classification Definitions 2015. Collection method: clinical testing. Allele origin: germline. Observed: 1 variant allele, 1 heterozygote.

Laboratory for Molecular Medicine, Mass General Brigham Personalized Medicine
Classification: Likely benign. Last evaluated: 2012-05-07. Review status: criteria provided, single submitter. Criteria: LMM Criteria. Collection method: clinical testing. Allele origin: germline. Observed: 4 variant alleles.
Comment: Ile812Thr in Exon 19 of PCDH15: This variant is not expected to have clinical si gnificance because it has been identified in 0.7% (26/3738) of African American chromosomes from a broad population by the NHLBI Exome Sequencing Project (dbSNP rs61731363).

Breakthrough Genomics
Classification: Likely benign. Review status: criteria provided, single submitter. Criteria: ACMG Guidelines, 2015. Collection method: not provided. Allele origin: germline. Inheritance: Autosomal recessive inheritance. Affected: yes.

Counsyl
Classification: Likely benign for Usher syndrome type 1F. Last evaluated: 2017-01-09. Review status: no assertion criteria provided. Collection method: clinical testing. Allele origin: unknown. Not counted in ClinVar's aggregate classification.

Clinical Genetics DNA and cytogenetics Diagnostics Lab, Erasmus MC, Erasmus Medical Center
Classification: Likely benign. Review status: no assertion criteria provided. Collection method: clinical testing. Allele origin: germline. Affected: yes. Study: VKGL Data-share Consensus. Not counted in ClinVar's aggregate classification.

Clinical Genetics, Academic Medical Center
Classification: Likely benign. Review status: no assertion criteria provided. Collection method: clinical testing. Allele origin: germline. Affected: yes. Study: VKGL Data-share Consensus. Not counted in ClinVar's aggregate classification.

Literature cited by the submitters: PubMed 27766948 (cited by Counsyl).

NM_001384140.1(PCDH15):c.2435T>C (p.Ile812Thr)

Gene: PCDH15 (protocadherin related 15; minus strand). Cytogenetic location: 10q21.1.
Variant type: single nucleotide variant.
Coding change: c.2435T>C on transcript NM_001384140.1 (MANE Select); coding-DNA position 2435, T replaced by C.
Protein change: p.Ile812Thr; replaces isoleucine 812 with threonine.
Molecular consequence: missense variant.
Genome position (GRCh38, 1-based): chr10:54,022,983, A>G on the plus strand (T>C on the coding strand, the complement: PCDH15 is on the minus strand). VCF-style: chr10-54022983-A-G. GRCh37 (hg19) VCF-style: chr10-55782743-A-G.
Other names: c.2450T>C, p.Ile817Thr (NM_001142763.2, NM_001142771.2); c.2435T>C, p.Ile812Thr (NM_001142764.2, NM_001142766.2, NM_001142770.3 and 5 more transcripts); c.2222T>C, p.Ile741Thr (NM_001142765.2); c.2324T>C, p.Ile775Thr (NM_001142767.2); c.2369T>C, p.Ile790Thr (NM_001142768.2, NM_001142773.2, NM_001354404.2); c.2471T>C, p.Ile824Thr (NM_001142769.4); c.2456T>C, p.Ile819Thr (NM_001354411.2); short protein forms I812T, I775T, I817T, I824T, I741T, I790T, I819T.
Identifiers: ClinVar variation 178628 (VCV000178628.57), dbSNP rs61731363, ClinGen allele CA182695.